The following is an entry in ClinVar:

ClinVar aggregate classification (germline): Likely pathogenic (1 of 4 stars; one submission).

Conditions:
Cystic fibrosis (CF). Also called: MUCOVISCIDOSIS. Identifiers: Orphanet 586, MedGen C0010674, MONDO:0009061, OMIM 219700. Disease mechanism: loss of function.

Submission:

Institute of Human Genetics, University of Leipzig Medical Center
Classification: Likely pathogenic for Cystic fibrosis. Last evaluated: 2026-01-05. Review status: criteria provided, single submitter. Criteria: ACMG Guidelines, 2015. Collection method: clinical testing. Allele origin: unknown. Inheritance: Autosomal recessive inheritance. Affected: yes.
Comment: Criteria applied: PM2,PM3,PM4,PP3,PP4

NM_000492.4(CFTR):c.3964-7A>G

Gene: CFTR (CF transmembrane conductance regulator; plus strand). Cytogenetic location: 7q31.2.
Variant type: single nucleotide variant.
Coding change: c.3964-7A>G on transcript NM_000492.4 (MANE Select); 7 bases into the intron before coding-DNA position 3964, A replaced by G.
Molecular consequence: intron variant.
Genome position (GRCh38, 1-based): chr7:117,664,681, A>G. VCF-style: chr7-117664681-A-G. GRCh37 (hg19) VCF-style: chr7-117304735-A-G.
Other names: 4096-7A>G.
Identifiers: ClinVar variation 1706022 (VCV001706022.3), dbSNP rs2116220618, ClinGen allele CA2580076345.
Genomic context (GRCh38, chr7:117,664,681, plus strand): 5'-TTTTAGAATGTCAACTGCTTGAGTGTTTTTAACTCTGTGGTATCTGAACTATCTTCTCTA[A>G]CTGCAGGTTGGGCTCAGATCTGTGATAGAACAGTTTCCTGGGAAGCTTGACTTTGTCCTT-3'